The following is an entry in ClinVar:

NM_004304.5(ALK):c.2755G>T (p.Gly919Trp)

Gene: ALK (ALK receptor tyrosine kinase; minus strand). Cytogenetic location: 2p23.2.
Variant type: single nucleotide variant.
Coding change: c.2755G>T on transcript NM_004304.5 (MANE Select); coding-DNA position 2755, G replaced by T.
Protein change: p.Gly919Trp; replaces glycine 919 with tryptophan.
Molecular consequence: missense variant.
Genome position (GRCh38, 1-based): chr2:29,228,944, C>A on the plus strand (G>T on the coding strand, the complement: ALK is on the minus strand). VCF-style: chr2-29228944-C-A. GRCh37 (hg19) VCF-style: chr2-29451810-C-A.
Other names: short protein forms G919W.
Identifiers: ClinVar variation 999649 (VCV000999649.8), dbSNP rs1664099541, ClinGen allele CA346469666.

ClinVar aggregate classification (germline): Uncertain significance (1 of 4 stars; one submission).

Conditions:
Neuroblastoma, susceptibility to, 3. Also called: ALK-Related Neuroblastic Tumor Susceptibility. Identifiers: Orphanet 635, MedGen C2751681, MONDO:0013083, OMIM 613014.

Submission:

Labcorp Genetics (formerly Invitae), Labcorp
Classification: Uncertain significance for Neuroblastoma, susceptibility to, 3. Last evaluated: 2022-03-07. Review status: criteria provided, single submitter. Criteria: Invitae Variant Classification Sherloc (09022015). Collection method: clinical testing. Allele origin: germline.
Comment: This sequence change replaces glycine, which is neutral and non-polar, with tryptophan, which is neutral and slightly polar, at codon 919 of the ALK protein (p.Gly919Trp). This variant is not present in population databases (gnomAD no frequency). This variant has not been reported in the literature in individuals affected with ALK-related conditions. ClinVar contains an entry for this variant (Variation ID: 999649). Algorithms developed to predict the effect of missense changes on protein structure and function (SIFT, PolyPhen-2, Align-GVGD) all suggest that this variant is likely to be disruptive. In summary, the available evidence is currently insufficient to determine the role of this variant in disease. Therefore, it has been classified as a Variant of Uncertain Significance.